The following is an entry in ClinVar:

ClinVar aggregate classification (germline): Benign. Review status: criteria provided, multiple submitters, no conflicts (2 of 4 stars). 2 submissions from 2 submitters: Benign (2). Last evaluated 2026-01-25.

Conditions:
Junctional epidermolysis bullosa, non-Herlitz type. Also called: EPIDERMOLYSIS BULLOSA JUNCTIONALIS, DISENTIS TYPE; EPIDERMOLYSIS BULLOSA JUNCTIONALIS, NON-HERLITZ TYPE; EPIDERMOLYSIS BULLOSA JUNCTIONALIS, PROGRESSIVE; EPIDERMOLYSIS BULLOSA JUNCTIONALIS, SEVERE NONLETHAL; Adult junctional epidermolysis bullosa; Epidermolysis bullosa, junctional, non-herlitz type, somatic mosaic revertant. Identifiers: Orphanet 251393, Orphanet 79402, Orphanet 79405, Orphanet 89840, MedGen C0268374, MONDO:0009180, OMIM 226650.

Allele frequency attached by ClinVar (database versions not stated): gnomAD exomes 0.00072 and 0.00190; ExAC 0.00215; 1000 Genomes Project 0.00539; gnomAD 0.00605 and 0.00652; 1000 Genomes Project 30x 0.00625; TOPMed 0.00691; ESP Exome Variant Server 0.00692.
gnomAD v4.1: 2,040 of 1,614,138 alleles (0.13%); highest among the groups gnomAD compares: African/African-American, 2%; 18 homozygotes.

Submissions (2):

Labcorp Genetics (formerly Invitae), Labcorp
Classification: Benign. Last evaluated: 2026-01-25. Review status: criteria provided, single submitter. Criteria: Invitae Variant Classification Sherloc (09022015). Collection method: clinical testing. Allele origin: germline.

Illumina Laboratory Services, Illumina
Classification: Benign for Junctional epidermolysis bullosa, non-Herlitz type. Last evaluated: 2018-01-12. Review status: criteria provided, single submitter. Criteria: ICSL Variant Classification Criteria 13 December 2019. Collection method: clinical testing. Allele origin: germline.
Comment: This variant was observed in the ICSL laboratory as part of a predisposition screen in an ostensibly healthy population. It had not been previously curated by ICSL or reported in the Human Gene Mutation Database (HGMD: prior to June 1st, 2018), and was therefore a candidate for classification through an automated scoring system. Utilizing variant allele frequency, disease prevalence and penetrance estimates, and inheritance mode, an automated score was calculated to assess if this variant is too frequent to cause the disease. Based on the score and internal cut-off values, a variant classified as benign is not then subjected to further curation. The score for this variant resulted in a classification of benign for this disease.

NM_000494.4(COL17A1):c.2092+5G>A

Gene: COL17A1 (collagen type XVII alpha 1 chain; minus strand). Cytogenetic location: 10q25.1.
Variant type: single nucleotide variant.
Coding change: c.2092+5G>A on transcript NM_000494.4 (MANE Select); 5 bases into the intron after coding-DNA position 2092, G replaced by A.
Molecular consequence: intron variant.
Genome position (GRCh38, 1-based): chr10:104,050,843, C>T on the plus strand (G>A on the coding strand, the complement: COL17A1 is on the minus strand). VCF-style: chr10-104050843-C-T. GRCh37 (hg19) VCF-style: chr10-105810601-C-T.
Other names: c.2092+5G>A (LRG_1249t1).
Identifiers: ClinVar variation 298719 (VCV000298719.14), dbSNP rs142728983, ClinGen allele CA5678716.